The following is an entry in ClinVar:

ClinVar aggregate classification (germline): Uncertain significance. Review status: criteria provided, multiple submitters, no conflicts (2 of 4 stars). 2 submissions from 2 submitters: Uncertain significance (2). Last evaluated 2022-08-02.

Allele frequency attached by ClinVar (database versions not stated): gnomAD exomes below 0.00001.

Submissions (2):

Labcorp Genetics (formerly Invitae), Labcorp
Classification: Uncertain significance. Last evaluated: 2022-08-02. Review status: criteria provided, single submitter. Criteria: Invitae Variant Classification Sherloc (09022015). Collection method: clinical testing. Allele origin: germline.
Comment: This sequence change replaces valine, which is neutral and non-polar, with methionine, which is neutral and non-polar, at codon 316 of the TUBB3 protein (p.Val316Met). In summary, the available evidence is currently insufficient to determine the role of this variant in disease. Therefore, it has been classified as a Variant of Uncertain Significance. Algorithms developed to predict the effect of missense changes on protein structure and function (SIFT, PolyPhen-2, Align-GVGD) all suggest that this variant is likely to be tolerated. ClinVar contains an entry for this variant (Variation ID: 212500). This variant has not been reported in the literature in individuals affected with TUBB3-related conditions. This variant is not present in population databases (gnomAD no frequency).

Genetic Services Laboratory, University of Chicago
Classification: Uncertain significance. Last evaluated: 2015-06-05. Review status: criteria provided, single submitter. Criteria: ACMG Guidelines, 2015. Collection method: clinical testing. Allele origin: germline.

NM_006086.4(TUBB3):c.946G>A (p.Val316Met)

Gene: TUBB3 (tubulin beta 3 class III; plus strand). Cytogenetic location: 16q24.3.
Variant type: single nucleotide variant.
Coding change: c.946G>A on transcript NM_006086.4 (MANE Select); coding-DNA position 946, G replaced by A.
Protein change: p.Val316Met; replaces valine 316 with methionine.
Molecular consequence: missense variant.
Genome position (GRCh38, 1-based): chr16:89,935,397, G>A. VCF-style: chr16-89935397-G-A. GRCh37 (hg19) VCF-style: chr16-90001805-G-A.
Other names: c.730G>A, p.Val244Met (NM_001197181.2); short protein forms V244M, V316M.
Identifiers: ClinVar variation 212500 (VCV000212500.11), dbSNP rs797046077, ClinGen allele CA207656.